The following is an entry in ClinVar:

NM_001044.5(SLC6A3):c.1806G>A (p.Glu602=)

Gene: SLC6A3 (solute carrier family 6 member 3). Cytogenetic location: 5p15.33.
Variant type: single nucleotide variant.
Coding change: c.1806G>A on transcript NM_001044.5 (MANE Select); coding-DNA position 1806, G replaced by A.
Protein change: p.Glu602=; no amino-acid change (glutamic acid 602 retained).
Molecular consequence: synonymous variant.
Genome position (GRCh38, 1-based): chr5:1,400,948, C>T on the plus strand (G>A on the coding strand, the complement: SLC6A3 is on the minus strand). VCF-style: chr5-1400948-C-T. GRCh37 (hg19) VCF-style: chr5-1401063-C-T.
Identifiers: ClinVar variation 1418520 (VCV001418520.10), dbSNP rs2126319427, ClinGen allele CA443019023.

ClinVar aggregate classification (germline): Likely benign. Review status: criteria provided, multiple submitters, no conflicts (2 of 4 stars). 2 submissions from 2 submitters: Likely benign (2). Last evaluated 2026-04-01.

Conditions:
Parkinsonism-dystonia, infantile. Identifiers: Orphanet 238455, MedGen C2751067, MONDO:0013150.

Submissions (2):

CeGaT Center for Human Genetics Tuebingen
Classification: Likely benign. Last evaluated: 2026-04-01. Review status: criteria provided, single submitter. Criteria: CeGaT Center For Human Genetics Tuebingen Variant Classification Criteria Version 2. Collection method: clinical testing. Allele origin: germline. Affected: yes. Observed: 1 variant allele.
Comment: SLC6A3: PM2:Supporting, BP4, BP7

Labcorp Genetics (formerly Invitae), Labcorp
Classification: Likely benign for Parkinsonism-dystonia, infantile. Last evaluated: 2021-11-17. Review status: criteria provided, single submitter. Criteria: Invitae Variant Classification Sherloc (09022015). Collection method: clinical testing. Allele origin: germline.